The following is an entry in ClinVar:

ClinVar aggregate classification (germline): Pathogenic/Likely pathogenic. Review status: criteria provided, multiple submitters, no conflicts (2 of 4 stars). 2 submissions from 2 submitters: Pathogenic (1); Likely pathogenic (1). Last evaluated 2026-01-25.

Conditions:
3-methylglutaconic aciduria type 5. Also called: CARDIOMYOPATHY, DILATED, WITH ATAXIA; MGA, TYPE V; 3 alpha methylglutaconic aciduria type V; MGA 5. Identifiers: Orphanet 66634, MedGen C1857776, MONDO:0012435, OMIM 610198.

Allele frequency attached by ClinVar (database versions not stated): gnomAD exomes below 0.00001.

Submissions (2):

Labcorp Genetics (formerly Invitae), Labcorp
Classification: Pathogenic for 3-methylglutaconic aciduria type 5. Last evaluated: 2026-01-25. Review status: criteria provided, single submitter. Criteria: Invitae Variant Classification Sherloc (09022015). Collection method: clinical testing. Allele origin: germline.
Comment: This sequence change creates a premature translational stop signal (p.Tyr21*) in the DNAJC19 gene. It is expected to result in an absent or disrupted protein product. Loss-of-function variants in DNAJC19 are known to be pathogenic (PMID: 16055927, 27928778). This variant is not present in population databases (gnomAD no frequency). This premature translational stop signal has been observed in individual(s) with DNAJC19-related conditions (PMID: 27928778). ClinVar contains an entry for this variant (Variation ID: 1324286). For these reasons, this variant has been classified as Pathogenic.

Revvity Omics, Revvity
Classification: Likely pathogenic for 3-methylglutaconic aciduria type 5. Last evaluated: 2023-01-17. Review status: criteria provided, single submitter. Criteria: ACMG Guidelines, 2015. Collection method: clinical testing. Allele origin: germline.

Literature cited by the submitters: PubMed 16055927 (cited by Labcorp Genetics (formerly Invitae), Labcorp); PubMed 27928778 (cited by Labcorp Genetics (formerly Invitae), Labcorp).

NM_145261.4(DNAJC19):c.63del (p.Arg20_Tyr21insTer)

Gene: DNAJC19 (DnaJ heat shock protein family (Hsp40) member C19; minus strand). Cytogenetic location: 3q26.33.
Variant type: Deletion.
Coding change: c.63del on transcript NM_145261.4 (MANE Select); coding-DNA position 63, one base deleted (C; older notation c.63delC).
Protein change: p.Arg20_Tyr21insTer.
Molecular consequence: nonsense. On other transcripts: 5 prime UTR variant (1), non-coding transcript variant (3).
Genome position (GRCh38, 1-based): chr3:180,988,089, G deleted on the plus strand (C on the coding strand, the reverse complement: DNAJC19 is on the minus strand). VCF-style (leftmost placement, unchanged base first): chr3-180988088-CG-C. GRCh37 (hg19) VCF-style: chr3-180705876-CG-C.
Other names: c.-13del (NM_001190233.2).
Identifiers: ClinVar variation 1324286 (VCV001324286.7), dbSNP rs2108509666, ClinGen allele CA2573052125.